The following is an entry in ClinVar:

ClinVar aggregate classification (germline): Conflicting classifications of pathogenicity. Review status: criteria provided, conflicting classifications (1 of 4 stars). 4 submissions from 4 submitters: Likely pathogenic (2); Uncertain significance (1). 1 of the submissions does not count toward it. Last evaluated 2026-05-04.

Conditions:
Hereditary cancer-predisposing syndrome. Also called: Hereditary neoplastic syndrome; Neoplastic Syndromes, Hereditary; Hereditary Cancer Syndrome; Tumor predisposition. Identifiers: Orphanet 140162, MedGen C0027672, MeSH D009386, MONDO:0015356.
SMARCB1-related schwannomatosis. Also called: SWNTS1; Schwannomatosis 1. Identifiers: Orphanet 93921, MedGen C4048809, MONDO:0024517, OMIM 162091. Disease mechanism: loss of function.

Allele frequency attached by ClinVar (database versions not stated): gnomAD exomes below 0.00001.

Submissions (4):

Ambry Genetics
Classification: Likely pathogenic for Hereditary cancer-predisposing syndrome. Last evaluated: 2026-05-04. Review status: criteria provided, single submitter. Criteria: Ambry Variant Classification Scheme 2023. Collection method: clinical testing. Allele origin: germline.
Comment: The p.E31V variant (also known as c.92A>T), located in coding exon 1 of the SMARCB1 gene, results from an A to T substitution at nucleotide position 92. The glutamic acid at codon 31 is replaced by valine, an amino acid with dissimilar properties. This variant was identified in one or more individuals with features consistent with schwannomatosis and segregated with disease in at least one family (Bacci C et al. Neurogenetics, 2010 Feb;11:73-80; Ambry internal data). This amino acid position is highly conserved in available vertebrate species. In addition, this alteration is predicted to be deleterious by in silico analysis. Based on the supporting evidence, this variant is likely pathogenic for SMARCB1-related tumor predisposition syndrome; however, the association of this variant with Coffin-Siris syndrome is unknown.

Labcorp Genetics (formerly Invitae), Labcorp
Classification: Uncertain significance. Last evaluated: 2025-10-29. Review status: criteria provided, single submitter. Criteria: Invitae Variant Classification Sherloc (09022015). Collection method: clinical testing. Allele origin: germline.
Comment: This sequence change replaces glutamic acid, which is acidic and polar, with valine, which is neutral and non-polar, at codon 31 of the SMARCB1 protein (p.Glu31Val). This variant is not present in population databases (gnomAD no frequency). This missense change has been observed in individual(s) with schwannomatosis (PMID: 19582488, 22434358). It has also been observed to segregate with disease in related individuals. ClinVar contains an entry for this variant (Variation ID: 8031). An algorithm developed to predict the effect of missense changes on protein structure and function (PolyPhen-2) suggests that this variant is likely to be disruptive. Studies have shown that this missense change alters SMARCB1 gene expression (PMID: 19582488). Algorithms developed to predict the effect of sequence changes on RNA splicing suggest that this variant may disrupt the consensus splice site. In summary, the available evidence is currently insufficient to determine the role of this variant in disease. Therefore, it has been classified as a Variant of Uncertain Significance.

GeneDx
Classification: Likely pathogenic. Last evaluated: 2022-12-05. Review status: criteria provided, single submitter. Criteria: GeneDx Variant Classification Process June 2021. Collection method: clinical testing. Allele origin: germline. Affected: yes.
Comment: Not observed at significant frequency in large population cohorts (gnomAD); In silico analysis supports that this missense variant has a deleterious effect on protein structure/function; In silico analysis suggests this variant may impact gene splicing. In the absence of RNA/functional studies, the actual effect of this sequence change is unknown.; Published functional studies suggest this variant likely results in a nulle allele (Bacci et al., 2010); This variant is associated with the following publications: (PMID: 26073604, 31586052, 19582488)

OMIM
Classification: Pathogenic for SCHWANNOMATOSIS 1. Last evaluated: 2010-02-01. Review status: no assertion criteria provided. Collection method: literature only. Allele origin: germline. Not counted in ClinVar's aggregate classification.

Literature cited by the submitters: PubMed 19582488 (cited by 3 submitters); PubMed 22434358 (cited by Labcorp Genetics (formerly Invitae), Labcorp).

NM_003073.5(SMARCB1):c.92A>T (p.Glu31Val)

Gene: SMARCB1 (SWI/SNF related BAF chromatin remodeling complex subunit B1; plus strand). Cytogenetic location: 22q11.23.
Variant type: single nucleotide variant.
Coding change: c.92A>T on transcript NM_003073.5 (MANE Select); coding-DNA position 92, A replaced by T.
Protein change: p.Glu31Val; replaces glutamic acid 31 with valine.
Molecular consequence: missense variant.
Genome position (GRCh38, 1-based): chr22:23,787,261, A>T. VCF-style: chr22-23787261-A-T. GRCh37 (hg19) VCF-style: chr22-24129448-A-T.
Other names: c.92A>T, p.Glu31Val (NM_001007468.3, NM_001317946.2, NM_001362877.2 and 1 more transcripts); c.92A>T (NM_003073.3); short protein forms E31V.
Identifiers: ClinVar variation 8031 (VCV000008031.8), dbSNP rs267607072, ClinGen allele CA119236.